The following is an entry in ClinVar:

NM_153676.4(USH1C):c.*42C>T

Gene: USH1C (USH1 protein network component harmonin; minus strand). Cytogenetic location: 11p15.1.
Variant type: single nucleotide variant.
Coding change: c.*42C>T on transcript NM_153676.4 (MANE Select); 42 bases downstream of the stop codon, C replaced by T.
Molecular consequence: 3 prime UTR variant. On other transcripts: non-coding transcript variant (1).
Genome position (GRCh38, 1-based): chr11:17,494,290, G>A on the plus strand (C>T on the coding strand, the complement: USH1C is on the minus strand). VCF-style: chr11-17494290-G-A. GRCh37 (hg19) VCF-style: chr11-17515837-G-A.
Other names: c.*74C>T (NM_001297764.2, NM_005709.4).
Identifiers: ClinVar variation 303800 (VCV000303800.9), dbSNP rs16934270, ClinGen allele CA5904028.

ClinVar aggregate classification (germline): Likely benign. Review status: criteria provided, multiple submitters, no conflicts (2 of 4 stars). 3 submissions from 3 submitters: Likely benign (3). Last evaluated 2018-08-07.

Conditions:
Usher syndrome type 1C. Also called: USHER SYNDROME, TYPE I, ACADIAN VARIETY. Identifiers: Orphanet 231169, Orphanet 886, MedGen C1848604, MONDO:0010171, OMIM 276904.

Allele frequency attached by ClinVar (database versions not stated): ESP Exome Variant Server 0.00531; TOPMed 0.00574; 1000 Genomes Project 0.00679; 1000 Genomes Project 30x 0.00687; gnomAD exomes 0.00053 and 0.00126; ExAC 0.00197; gnomAD 0.00488 and 0.00520.
gnomAD v4.1: 1,532 of 1,598,626 alleles (0.096%); highest among the groups gnomAD compares: African/African-American, 1.7%; 13 homozygotes.

Submissions (3):

GeneDx
Classification: Likely benign. Last evaluated: 2018-08-07. Review status: criteria provided, single submitter. Criteria: GeneDx Variant Classification Process June 2021. Collection method: clinical testing. Allele origin: germline. Affected: yes.

Illumina Laboratory Services, Illumina
Classification: Likely benign for Usher syndrome type 1C. Last evaluated: 2018-01-13. Review status: criteria provided, single submitter. Criteria: ICSL Variant Classification Criteria 13 December 2019. Collection method: clinical testing. Allele origin: germline.
Comment: This variant was observed in the ICSL laboratory as part of a predisposition screen in an ostensibly healthy population. It had not been previously curated by ICSL or reported in the Human Gene Mutation Database (HGMD: prior to June 1st, 2018), and was therefore a candidate for classification through an automated scoring system. Utilizing variant allele frequency, disease prevalence and penetrance estimates, and inheritance mode, an automated score was calculated to assess if this variant is too frequent to cause the disease. Based on the score and internal cut-off values, a variant classified as likely benign is not then subjected to further curation. The score for this variant resulted in a classification of likely benign for this disease.

Breakthrough Genomics
Classification: Likely benign. Review status: criteria provided, single submitter. Criteria: ACMG Guidelines, 2015. Collection method: not provided. Allele origin: germline. Inheritance: Autosomal recessive inheritance. Affected: yes.